The following is an entry in ClinVar:

ClinVar aggregate classification (germline): Pathogenic (1 of 4 stars; one submission).

Conditions:
Hereditary cancer-predisposing syndrome. Also called: Neoplastic Syndromes, Hereditary; Tumor predisposition; Hereditary Cancer Syndrome; Hereditary neoplastic syndrome. Identifiers: Orphanet 140162, MedGen C0027672, MeSH D009386, MONDO:0015356.

Submission:

Ambry Genetics
Classification: Pathogenic for Hereditary cancer-predisposing syndrome. Last evaluated: 2021-11-26. Review status: criteria provided, single submitter. Criteria: Ambry Variant Classification Scheme 2023. Collection method: clinical testing. Allele origin: germline.
Comment: The c.1857_1860dupGTGT pathogenic mutation, located in coding exon 9 of the BARD1 gene, results from a duplication of GTGT at nucleotide position 1857, causing a translational frameshift with a predicted alternate stop codon (p.M621Vfs*15). This variant is considered to be rare based on population cohorts in the Genome Aggregation Database (gnomAD). This alteration is expected to result in loss of function by premature protein truncation or nonsense-mediated mRNA decay. As such, this alteration is interpreted as a disease-causing mutation.

NM_000465.4(BARD1):c.1857_1860dup (p.Met621fs)

Gene: BARD1 (BRCA1 associated RING domain 1; minus strand). Cytogenetic location: 2q35.
Variant type: Microsatellite.
Coding change: c.1857_1860dup on transcript NM_000465.4 (MANE Select); coding-DNA positions 1857 to 1860, 4 bases duplicated (GTGT; older notation c.1857_1860dupGTGT).
Protein change: p.Met621fs; shifts the reading frame from methionine 621.
Molecular consequence: frameshift variant. On other transcripts: non-coding transcript variant (3), intron variant (1).
Genome position (GRCh38, 1-based): chr2:214,745,110-214,745,113, ACAC duplicated on the plus strand (GTGT on the coding strand, the reverse complement: BARD1 is on the minus strand). VCF-style (leftmost placement, unchanged base first): chr2-214745109-T-TACAC. GRCh37 (hg19) VCF-style: chr2-215609833-T-TACAC.
Other names: c.1800_1803dup, p.Met602fs (NM_001282543.2); c.504_507dup, p.Met170fs (NM_001282545.2); c.447_450dup, p.Met151fs (NM_001282548.2); c.365-14605GT[4] (NM_001282549.2); short protein forms M151fs, M602fs, M621fs, M170fs.
Identifiers: ClinVar variation 1781414 (VCV001781414.2), dbSNP rs2469337978, ClinGen allele CA2580616672.
Genomic context (GRCh38, chr2:214,745,109, plus strand): 5'-CTCAAATCCAACACTTACATTCAAATTTTAGAATCCAGCATCCATTGAGAATCCCAAGCA[T>TACAC]ACACTTCAAGGTACTTTGAACTGCATCACCAGGAACAACAACATGAGTTACTAAAATACA-3'